The following is an entry in ClinVar:

NM_001283009.2(RTEL1):c.2825A>G (p.Asp942Gly)

Genes: RTEL1 (regulator of telomere elongation helicase 1; plus strand), RTEL1-TNFRSF6B (RTEL1-TNFRSF6B readthrough (NMD candidate); plus strand). Cytogenetic location: 20q13.33.
Variant type: single nucleotide variant.
Coding change: c.2825A>G on transcript NM_001283009.2 (MANE Select); coding-DNA position 2825, A replaced by G.
Protein change: p.Asp942Gly; replaces aspartic acid 942 with glycine.
Molecular consequence: missense variant. On other transcripts: non-coding transcript variant (1).
Genome position (GRCh38, 1-based): chr20:63,692,977, A>G. VCF-style: chr20-63692977-A-G. GRCh37 (hg19) VCF-style: chr20-62324330-A-G.
Other names: c.2156A>G, p.Asp719Gly (NM_001283010.1); c.2825A>G, p.Asp942Gly (NM_016434.4); c.2897A>G, p.Asp966Gly (NM_032957.5); short protein forms D942G, D966G, D719G.
Identifiers: ClinVar variation 2171707 (VCV002171707.3), dbSNP rs756463210, ClinGen allele CA9965561.

ClinVar aggregate classification (germline): Uncertain significance (1 of 4 stars; one submission).

Conditions:
Pulmonary fibrosis and/or bone marrow failure, Telomere-related, 3. Also called: PULMONARY FIBROSIS AND/OR BONE MARROW FAILURE SYNDROME, TELOMERE-RELATED, 3. Identifiers: Orphanet 2032, MedGen C4225346, MONDO:0014613, OMIM 616373.
Dyskeratosis congenita, autosomal recessive 5 (DKCB5). Identifiers: MedGen C3554656, MONDO:0014076, OMIM 615190.

Allele frequency attached by ClinVar (database versions not stated): TOPMed below 0.00001; gnomAD exomes below 0.00001; ExAC 0.00002.
gnomAD v4.1: 5 of 1,612,536 alleles (0.00031%); highest among the groups gnomAD compares: Non-Finnish European, 0.00034%; no homozygotes.

Submission:

Labcorp Genetics (formerly Invitae), Labcorp
Classification: Uncertain significance for Dyskeratosis congenita, autosomal recessive 5; Pulmonary fibrosis and/or bone marrow failure, Telomere-related, 3. Last evaluated: 2025-09-20. Review status: criteria provided, single submitter. Criteria: Invitae Variant Classification Sherloc (09022015). Collection method: clinical testing. Allele origin: germline.
Comment: This sequence change replaces aspartic acid, which is acidic and polar, with glycine, which is neutral and non-polar, at codon 942 of the RTEL1 protein (p.Asp942Gly). This variant is present in population databases (rs756463210, gnomAD 0.004%). This variant has not been reported in the literature in individuals affected with RTEL1-related conditions. ClinVar contains an entry for this variant (Variation ID: 2171707). An algorithm developed to predict the effect of missense changes on protein structure and function (PolyPhen-2) suggests that this variant is likely to be tolerated. In summary, the available evidence is currently insufficient to determine the role of this variant in disease. Therefore, it has been classified as a Variant of Uncertain Significance.